The following is an entry in ClinVar:

ClinVar aggregate classification (germline): Uncertain significance. Review status: criteria provided, multiple submitters, no conflicts (2 of 4 stars). 3 submissions from 3 submitters: Uncertain significance (3). Last evaluated 2026-01-25.

Conditions:
Hereditary nonpolyposis colorectal neoplasms. Identifiers: MedGen C0009405, MeSH D003123.
Hereditary cancer-predisposing syndrome. Also called: Tumor predisposition; Hereditary neoplastic syndrome; Neoplastic Syndromes, Hereditary; Hereditary Cancer Syndrome. Identifiers: Orphanet 140162, MedGen C0027672, MeSH D009386, MONDO:0015356.
Endometrial carcinoma. Also called: Endometrial carcinoma, somatic. Identifiers: MedGen C0476089, MONDO:0002447, OMIM 608089, HP:0012114.

Allele frequency attached by ClinVar (database versions not stated): gnomAD exomes below 0.00001.
gnomAD v4.1: 2 of 1,614,096 alleles (0.00012%); highest among the groups gnomAD compares: Non-Finnish European, 0.00017%; no homozygotes.

Submissions (3):

Labcorp Genetics (formerly Invitae), Labcorp
Classification: Uncertain significance for Hereditary nonpolyposis colorectal neoplasms. Last evaluated: 2026-01-25. Review status: criteria provided, single submitter. Criteria: Invitae Variant Classification Sherloc (09022015). Collection method: clinical testing. Allele origin: germline.
Comment: This sequence change replaces serine, which is neutral and polar, with proline, which is neutral and non-polar, at codon 309 of the MSH6 protein (p.Ser309Pro). This variant is not present in population databases (gnomAD no frequency). This variant has not been reported in the literature in individuals affected with MSH6-related conditions. ClinVar contains an entry for this variant (Variation ID: 855477). Invitae Evidence Modeling of protein sequence and biophysical properties (such as structural, functional, and spatial information, amino acid conservation, physicochemical variation, residue mobility, and thermodynamic stability) indicates that this missense variant is not expected to disrupt MSH6 protein function with a negative predictive value of 95%. In summary, the available evidence is currently insufficient to determine the role of this variant in disease. Therefore, it has been classified as a Variant of Uncertain Significance.

Ambry Genetics
Classification: Uncertain significance for Hereditary cancer-predisposing syndrome. Last evaluated: 2024-10-28. Review status: criteria provided, single submitter. Criteria: Ambry Variant Classification Scheme 2023. Collection method: clinical testing. Allele origin: germline.
Comment: The p.S309P variant (also known as c.925T>C), located in coding exon 4 of the MSH6 gene, results from a T to C substitution at nucleotide position 925. The serine at codon 309 is replaced by proline, an amino acid with similar properties. This amino acid position is conserved. In addition, this alteration is predicted to be tolerated by in silico analysis. Based on the available evidence, the clinical significance of this variant remains unclear.

Baylor Genetics
Classification: Uncertain significance for Endometrial carcinoma. Last evaluated: 2023-08-23. Review status: criteria provided, single submitter. Criteria: ACMG Guidelines, 2015. Collection method: clinical testing. Allele origin: unknown.

NM_000179.3(MSH6):c.925T>C (p.Ser309Pro)

Gene: MSH6 (mutS homolog 6; plus strand). Cytogenetic location: 2p16.3.
Variant type: single nucleotide variant.
Coding change: c.925T>C on transcript NM_000179.3 (MANE Select); coding-DNA position 925, T replaced by C.
Protein change: p.Ser309Pro; replaces serine 309 with proline.
Molecular consequence: missense variant.
Genome position (GRCh38, 1-based): chr2:47,798,908, T>C. VCF-style: chr2-47798908-T-C. GRCh37 (hg19) VCF-style: chr2-48026047-T-C.
Other names: c.535T>C, p.Ser179Pro (NM_001281492.2); c.19T>C, p.Ser7Pro (NM_001281493.2, NM_001281494.2); short protein forms S179P, S309P, S7P.
Identifiers: ClinVar variation 855477 (VCV000855477.12), dbSNP rs876659095, ClinGen allele CA346740748.
Genomic context (GRCh38, chr2:47,798,908, plus strand): 5'-GGCCTGAACAGCCCTGTCAAAGTTGCTCGAAAGCGGAAGAGAATGGTGACTGGAAATGGC[T>C]CTCTTAAAAGGAAAAGCTCTAGGAAGGAAACGCCCTCAGCCACCAAACAAGCAACTAGCA-3'
Protein context (NP_000170.1, residues 299-319): KRKRMVTGNG[Ser309Pro]LKRKSSRKET